The following is an entry in ClinVar:

ClinVar aggregate classification (germline): Uncertain significance. Review status: criteria provided, single submitter (1 of 4 stars). 2 submissions from 2 submitters: Uncertain significance (1). 1 of the submissions does not count toward it. Last evaluated 2020-05-29.

Conditions:
Leber congenital amaurosis 13 (LCA13). Identifiers: MedGen C2675186, MONDO:0012990, OMIM 612712.

Submissions (2):

Broad Center for Mendelian Genomics, Broad Institute of MIT and Harvard
Classification: Uncertain significance for Leber congenital amaurosis 13. Last evaluated: 2020-05-29. Review status: criteria provided, single submitter. Criteria: ACMG Guidelines, 2015. Collection method: research. Allele origin: germline. Inheritance: Autosomal recessive inheritance.
Comment: Please note that this variant has been identified by a collaborative research study and was also be submitted by Massachusetts Eye and Ear. The p.Asp72Gly variant was absent from large population studies. Computational prediction tools and conservation analyses suggest that this variant may impact the protein, though this information is not predictive enough to determine pathogenicity. In summary, while there is some suspicion for a pathogenic role, the clinical significance of this variant is uncertain. ACMG/AMP Criteria applied: PM2, PP3 (Richards 2015).

Ocular Genomics Institute, Massachusetts Eye and Ear
Classification: Likely pathogenic for Leber congenital amaurosis 13. Last evaluated: 2019-08-01. Review status: no assertion criteria provided. Collection method: clinical testing. Allele origin: germline. Affected: yes. Observed: 1 variant allele. Not counted in ClinVar's aggregate classification.

NM_152443.3(RDH12):c.215A>G (p.Asp72Gly)

Genes: GPHN (gephyrin; plus strand), RDH12 (retinol dehydrogenase 12; plus strand). Cytogenetic location: 14q24.1.
Variant type: single nucleotide variant.
Coding change: c.215A>G on transcript NM_152443.3 (MANE Select); coding-DNA position 215, A replaced by G.
Protein change: p.Asp72Gly; replaces aspartic acid 72 with glycine.
Molecular consequence: missense variant.
Genome position (GRCh38, 1-based): chr14:67,725,126, A>G. VCF-style: chr14-67725126-A-G. GRCh37 (hg19) VCF-style: chr14-68191843-A-G.
Other names: short protein forms D72G.
Identifiers: ClinVar variation 805929 (VCV000805929.2), dbSNP rs1594865341, ClinGen allele CA390148535.